The following is an entry in ClinVar:

ClinVar aggregate classification (germline): Uncertain significance (1 of 4 stars; one submission).

Conditions:
Duchenne muscular dystrophy (DMD). Also called: MUSCULAR DYSTROPHY, PSEUDOHYPERTROPHIC PROGRESSIVE, DUCHENNE TYPE; Duchenne Muscular Dystrophy (DMD). Identifiers: Orphanet 98896, MedGen C0013264, MONDO:0010679, OMIM 310200.

Submission:

Labcorp Genetics (formerly Invitae), Labcorp
Classification: Uncertain significance for Duchenne muscular dystrophy. Last evaluated: 2021-06-26. Review status: criteria provided, single submitter. Criteria: Invitae Variant Classification Sherloc (09022015). Collection method: clinical testing. Allele origin: germline.
Comment: In summary, the available evidence is currently insufficient to determine the role of this variant in disease. Therefore, it has been classified as a Variant of Uncertain Significance. This variant has not been reported in the literature in individuals with DMD-related conditions. This variant results in a copy number gain of the genomic region encompassing exon(s) 19-27 of the DMD gene. While the exact position of this variant cannot be determined from the data, sub-genic copy number gains are generally in tandem (PMID: 25640679). This variant is predicted to be in-frame, and likely preserves the integrity of the reading frame.

Literature cited by the submitters: PubMed 25640679.

NC_000023.10:g.(?_32466553)_(32519979_?)dup

Gene: DMD (dystrophin; minus strand). Cytogenetic location: Xp21.1.
Variant type: Duplication.
Identifiers: ClinVar variation 1411025 (VCV001411025.5).